The following is an entry in ClinVar:

ClinVar aggregate classification (germline): Pathogenic (1 of 4 stars; one submission).

Conditions:
Intellectual developmental disorder with or without epilepsy or cerebellar ataxia. Identifiers: MedGen C4748041, MONDO:0060745, OMIM 618060.

Submission:

Institute of Human Genetics, FAU Erlangen, Friedrich-Alexander-Universität Erlangen-Nürnberg
Classification: Pathogenic for Intellectual developmental disorder with or without epilepsy or cerebellar ataxia. Last evaluated: 2023-03-06. Review status: criteria provided, single submitter. Criteria: Hauer et al. (Genet Med. 2018). Collection method: clinical testing. Allele origin: germline. Inheritance: Autosomal dominant inheritance. Affected: yes. Observed: 1 variant allele.
Comment: This variant has been identified by standard clinical testing.

NM_134261.3(RORA):c.1069A>T (p.Lys357Ter)

Genes: RORA (RAR related orphan receptor A; minus strand), RORA-AS1 (RORA antisense RNA 1; plus strand). Cytogenetic location: 15q22.2.
Variant type: single nucleotide variant.
Coding change: c.1069A>T on transcript NM_134261.3 (MANE Select); coding-DNA position 1069, A replaced by T.
Protein change: p.Lys357Ter; replaces lysine 357 with a stop codon.
Molecular consequence: nonsense.
Genome position (GRCh38, 1-based): chr15:60,503,541, T>A on the plus strand (A>T on the coding strand, the complement: RORA is on the minus strand). VCF-style: chr15-60503541-T-A. GRCh37 (hg19) VCF-style: chr15-60795740-T-A.
Other names: c.1144A>T, p.Lys382Ter (NM_002943.4); c.1168A>T, p.Lys390Ter (NM_134260.3); c.904A>T, p.Lys302Ter (NM_134262.3); short protein forms K302*, K357*, K382*, K390*.
Identifiers: ClinVar variation 2442252 (VCV002442252.1), dbSNP rs2541994504, ClinGen allele CA392668395.